The following is an entry in ClinVar:

NM_001029896.2(WDR45):c.437-6C>A

Gene: WDR45 (WD repeat domain 45; minus strand). Cytogenetic location: Xp11.23.
Variant type: single nucleotide variant.
Coding change: c.437-6C>A on transcript NM_001029896.2 (MANE Select); 6 bases into the intron before coding-DNA position 437, C replaced by A.
Molecular consequence: intron variant.
Genome position (GRCh38, 1-based): chrX:49,075,951, G>T on the plus strand (C>A on the coding strand, the complement: WDR45 is on the minus strand). VCF-style: chrX-49075951-G-T. GRCh37 (hg19) VCF-style: chrX-48933610-G-T.
Other names: c.440-6C>A (NM_007075.4).
Identifiers: ClinVar variation 655859 (VCV000655859.8), dbSNP rs1602538405, ClinGen allele CA412945597.

ClinVar aggregate classification (germline): Uncertain significance (1 of 4 stars; one submission).

Conditions:
Neurodegeneration with brain iron accumulation 5 (NBIA5). Also called: Beta-propeller protein-associated neurodegeneration; STATIC ENCEPHALOPATHY OF CHILDHOOD WITH NEURODEGENERATION IN ADULTHOOD. Identifiers: Orphanet 329284, MedGen C3550973, MONDO:0010476, OMIM 300894.

Submission:

Labcorp Genetics (formerly Invitae), Labcorp
Classification: Uncertain significance for Neurodegeneration with brain iron accumulation 5. Last evaluated: 2022-07-12. Review status: criteria provided, single submitter. Criteria: Invitae Variant Classification Sherloc (09022015). Collection method: clinical testing. Allele origin: germline.
Comment: Algorithms developed to predict the effect of sequence changes on RNA splicing suggest that this variant may create or strengthen a splice site. In summary, the available evidence is currently insufficient to determine the role of this variant in disease. Therefore, it has been classified as a Variant of Uncertain Significance. This sequence change falls in intron 7 of the WDR45 gene. It does not directly change the encoded amino acid sequence of the WDR45 protein. This variant is not present in population databases (gnomAD no frequency). ClinVar contains an entry for this variant (Variation ID: 655859). This variant has not been reported in the literature in individuals affected with WDR45-related conditions.